The following is an entry in ClinVar:

NM_017617.5(NOTCH1):c.5465A>G (p.Lys1822Arg)

Gene: NOTCH1 (notch receptor 1; minus strand). Cytogenetic location: 9q34.3.
Variant type: single nucleotide variant.
Coding change: c.5465A>G on transcript NM_017617.5 (MANE Select); coding-DNA position 5465, A replaced by G.
Protein change: p.Lys1822Arg; replaces lysine 1822 with arginine.
Molecular consequence: missense variant.
Genome position (GRCh38, 1-based): chr9:136,502,008, T>C on the plus strand (A>G on the coding strand, the complement: NOTCH1 is on the minus strand). VCF-style: chr9-136502008-T-C. GRCh37 (hg19) VCF-style: chr9-139396460-T-C.
Other names: short protein forms K1822R.
Identifiers: ClinVar variation 4861118 (VCV004861118.1).
Genomic context (GRCh38, chr9:136,502,008, plus strand): 5'-AGCCCGGCAGCAGGTGCCCGGGAGCCCAGGAGCCCGGGAGCCTCGCGACTCACCCGGAAC[T>C]TCTTGGTCTCCAGGTCCTCGTCCCCCCACTCATTCTGGTTGTCGTCCATGAGGGCACCGT-3'
Protein context (NP_060087.3, residues 1812-1832): EWGDEDLETK[Lys1822Arg]FRFEEPVVLP

ClinVar aggregate classification (germline): Uncertain significance (1 of 4 stars; one submission).

Conditions:
Familial thoracic aortic aneurysm and aortic dissection (TAAD). Also called: Thoracic aortic aneurysms and dissections. Identifiers: Orphanet 91387, MedGen C4707243, MONDO:0019625.

Submission:

Ambry Genetics
Classification: Uncertain significance for Familial thoracic aortic aneurysm and aortic dissection. Last evaluated: 2026-05-14. Review status: criteria provided, single submitter. Criteria: Ambry Variant Classification Scheme 2023. Collection method: clinical testing. Allele origin: germline.
Comment: The p.K1822R variant (also known as c.5465A>G), located in coding exon 29 of the NOTCH1 gene, results from an A to G substitution at nucleotide position 5465. The lysine at codon 1822 is replaced by arginine, an amino acid with highly similar properties. This amino acid position is conserved. In addition, this alteration is predicted to be tolerated by in silico analysis. Based on the available evidence, the clinical significance of this variant remains unclear.